The following is an entry in ClinVar:

ClinVar aggregate classification (germline): Uncertain significance (1 of 4 stars; one submission).

Submission:

GeneDx
Classification: Uncertain significance. Last evaluated: 2025-04-16. Review status: criteria provided, single submitter. Criteria: GeneDx Variant Classification Process June 2021. Collection method: clinical testing. Allele origin: germline. Affected: yes.
Comment: Not observed at significant frequency in large population cohorts (gnomAD); In silico analysis supports that this missense variant has a deleterious effect on protein structure/function; Has not been previously published as pathogenic or benign to our knowledge

NM_016333.4(SRRM2):c.1486C>G (p.Arg496Gly)

Gene: SRRM2 (serine/arginine repetitive matrix 2; plus strand). Cytogenetic location: 16p13.3.
Variant type: single nucleotide variant.
Coding change: c.1486C>G on transcript NM_016333.4 (MANE Select); coding-DNA position 1486, C replaced by G.
Protein change: p.Arg496Gly; replaces arginine 496 with glycine.
Molecular consequence: missense variant.
Genome position (GRCh38, 1-based): chr16:2,762,014, C>G. VCF-style: chr16-2762014-C-G. GRCh37 (hg19) VCF-style: chr16-2812015-C-G.
Other names: short protein forms R496G.
Identifiers: ClinVar variation 4282141 (VCV004282141.1).
Genomic context (GRCh38, chr16:2,762,014, plus strand): 5'-ACCCCCTCCCGTAGGATGGGGAGGTCCCGTAGCCCTGCCACCGCTAAGAGAGGGCGATCT[C>G]GGTCTCGAACCCCTACCAAGAGAGGTCATTCTCGATCCCGATCTCCCCAGTGGCGTAGGT-3'
Protein context (NP_057417.3, residues 486-506): SPATAKRGRS[Arg496Gly]SRTPTKRGHS